The following is an entry in ClinVar:

ClinVar aggregate classification (germline): Uncertain significance (1 of 4 stars; one submission).

Conditions:
Fanconi anemia (FA). Also called: Fanconi's anemia. Identifiers: Orphanet 84, MedGen C0015625, MeSH D005199, MONDO:0019391.

Allele frequency attached by ClinVar (database versions not stated): ExAC 0.00002; gnomAD 0.00002; TOPMed 0.00002; gnomAD exomes 0.00001.
gnomAD v4.1: 12 of 1,613,640 alleles (0.00074%); highest among the groups gnomAD compares: African/African-American, 0.008%; no homozygotes.

Submission:

Labcorp Genetics (formerly Invitae), Labcorp
Classification: Uncertain significance for Fanconi anemia. Last evaluated: 2025-06-01. Review status: criteria provided, single submitter. Criteria: Invitae Variant Classification Sherloc (09022015). Collection method: clinical testing. Allele origin: germline.
Comment: This sequence change replaces arginine, which is basic and polar, with glutamine, which is neutral and polar, at codon 614 of the FANCI protein (p.Arg614Gln). This variant is present in population databases (rs757285246, gnomAD 0.01%). This variant has not been reported in the literature in individuals affected with FANCI-related conditions. ClinVar contains an entry for this variant (Variation ID: 2039331). Invitae Evidence Modeling of protein sequence and biophysical properties (such as structural, functional, and spatial information, amino acid conservation, physicochemical variation, residue mobility, and thermodynamic stability) indicates that this missense variant is expected to disrupt FANCI protein function with a positive predictive value of 80%. In summary, the available evidence is currently insufficient to determine the role of this variant in disease. Therefore, it has been classified as a Variant of Uncertain Significance.

NM_001113378.2(FANCI):c.1841G>A (p.Arg614Gln)

Gene: FANCI (FA complementation group I; plus strand). Cytogenetic location: 15q26.1.
Variant type: single nucleotide variant.
Coding change: c.1841G>A on transcript NM_001113378.2 (MANE Select); coding-DNA position 1841, G replaced by A.
Protein change: p.Arg614Gln; replaces arginine 614 with glutamine.
Molecular consequence: missense variant.
Genome position (GRCh38, 1-based): chr15:89,290,232, G>A. VCF-style: chr15-89290232-G-A. GRCh37 (hg19) VCF-style: chr15-89833463-G-A.
Other names: c.1562G>A, p.Arg521Gln (NM_001376910.1); c.1841G>A, p.Arg614Gln (NM_001376911.1, NM_018193.3); short protein forms R614Q, R521Q.
Identifiers: ClinVar variation 2039331 (VCV002039331.3), dbSNP rs757285246, ClinGen allele CA7723178.